The following is an entry in ClinVar:

NM_015275.3(WASHC4):c.2565A>G (p.Gln855=)

Gene: WASHC4 (WASH complex subunit 4; plus strand). Cytogenetic location: 12q23.3.
Variant type: single nucleotide variant.
Coding change: c.2565A>G on transcript NM_015275.3 (MANE Select); coding-DNA position 2565, A replaced by G.
Protein change: p.Gln855=; no amino-acid change (glutamine 855 retained).
Molecular consequence: synonymous variant.
Genome position (GRCh38, 1-based): chr12:105,149,665, A>G. VCF-style: chr12-105149665-A-G. GRCh37 (hg19) VCF-style: chr12-105543443-A-G.
Other names: c.2568A>G, p.Gln856= (NM_001293640.2).
Identifiers: ClinVar variation 786423 (VCV000786423.30), dbSNP rs113031019, ClinGen allele CA6758977.

ClinVar aggregate classification (germline): Benign/Likely benign. Review status: criteria provided, multiple submitters, no conflicts (2 of 4 stars). 4 submissions from 4 submitters: Benign (2); Likely benign (2). Last evaluated 2026-09-01.

Allele frequency attached by ClinVar (database versions not stated): gnomAD exomes 0.00040 and 0.00098; ExAC 0.00133; 1000 Genomes Project 0.00300; 1000 Genomes Project 30x 0.00359; gnomAD 0.00389 and 0.00422; ESP Exome Variant Server 0.00421; TOPMed 0.00427.
gnomAD v4.1: 1,186 of 1,566,430 alleles (0.076%); highest among the groups gnomAD compares: African/African-American, 1.4%; 9 homozygotes.

Submissions (4):

CeGaT Center for Human Genetics Tuebingen
Classification: Likely benign. Last evaluated: 2026-09-01. Review status: criteria provided, single submitter. Criteria: CeGaT Center For Human Genetics Tuebingen Variant Classification Criteria Version 2. Collection method: clinical testing. Allele origin: germline. Affected: yes. Observed: 5 variant alleles.
Comment: WASHC4: BP4, BP7, BS1

Blueprint Genetics
Classification: Likely benign. Last evaluated: 2024-11-27. Review status: criteria provided, single submitter. Criteria: ACMG Guidelines, 2015. Collection method: clinical testing. Allele origin: germline.

Labcorp Genetics (formerly Invitae), Labcorp
Classification: Benign. Last evaluated: 2019-12-31. Review status: criteria provided, single submitter. Criteria: Invitae Variant Classification Sherloc (09022015). Collection method: clinical testing. Allele origin: germline.

Breakthrough Genomics
Classification: Benign. Review status: criteria provided, single submitter. Criteria: ACMG Guidelines, 2015. Collection method: not provided. Allele origin: germline. Inheritance: Autosomal recessive inheritance. Affected: yes.